The following is an entry in ClinVar:

NM_032492.4(JAGN1):c.391C>T (p.Arg131Cys)

Gene: JAGN1 (jagunal homolog 1; plus strand). Cytogenetic location: 3p25.3.
Variant type: single nucleotide variant.
Coding change: c.391C>T on transcript NM_032492.4 (MANE Select); coding-DNA position 391, C replaced by T.
Protein change: p.Arg131Cys; replaces arginine 131 with cysteine.
Molecular consequence: missense variant.
Genome position (GRCh38, 1-based): chr3:9,893,216, C>T. VCF-style: chr3-9893216-C-T. GRCh37 (hg19) VCF-style: chr3-9934900-C-T.
Other names: c.229C>T, p.Arg77Cys (NM_001363890.1); short protein forms R131C, R77C.
Identifiers: ClinVar variation 3626750 (VCV003626750.1).

ClinVar aggregate classification (germline): Uncertain significance (1 of 4 stars; one submission).

Conditions:
Autosomal recessive severe congenital neutropenia due to JAGN1 deficiency. Also called: Severe congenital neutropenia 6, autosomal recessive. Identifiers: Orphanet 423384, MedGen C4014954, MONDO:0014456, OMIM 616022.

gnomAD v4.1: 15 of 1,614,086 alleles (0.00093%); highest among the groups gnomAD compares: African/African-American, 0.0067%; no homozygotes.

Submission:

Labcorp Genetics (formerly Invitae), Labcorp
Classification: Uncertain significance for Autosomal recessive severe congenital neutropenia due to JAGN1 deficiency. Last evaluated: 2025-02-02. Review status: criteria provided, single submitter. Criteria: Invitae Variant Classification Sherloc (09022015). Collection method: clinical testing. Allele origin: germline.
Comment: This sequence change replaces arginine, which is basic and polar, with cysteine, which is neutral and slightly polar, at codon 131 of the JAGN1 protein (p.Arg131Cys). This variant is present in population databases (rs150551876, gnomAD 0.006%). This variant has not been reported in the literature in individuals affected with JAGN1-related conditions. An algorithm developed to predict the effect of missense changes on protein structure and function (PolyPhen-2) suggests that this variant is likely to be disruptive. In summary, the available evidence is currently insufficient to determine the role of this variant in disease. Therefore, it has been classified as a Variant of Uncertain Significance.